The following is an entry in ClinVar:

ClinVar aggregate classification (germline): Conflicting classifications of pathogenicity. Review status: criteria provided, conflicting classifications (1 of 4 stars). 3 submissions from 3 submitters: Uncertain significance (2); Likely benign (1). Last evaluated 2025-01-07.

Conditions:
Cerebral palsy, spastic quadriplegic, 2 (CPSQ2). Identifiers: Orphanet 210141, MedGen C2752061, MONDO:0013033, OMIM 612900.

Allele frequency attached by ClinVar (database versions not stated): gnomAD 0.00002; TOPMed 0.00002; ExAC 0.00004; gnomAD exomes 0.00004; ESP Exome Variant Server 0.00008.
gnomAD v4.1: 138 of 1,613,690 alleles (0.0086%); highest among the groups gnomAD compares: Non-Finnish European, 0.012%; 1 homozygote.

Submissions (3):

Ambry Genetics
Classification: Likely benign. Last evaluated: 2025-01-07. Review status: criteria provided, single submitter. Criteria: Ambry Variant Classification Scheme 2023. Collection method: clinical testing. Allele origin: germline.

Labcorp Genetics (formerly Invitae), Labcorp
Classification: Uncertain significance. Last evaluated: 2024-10-22. Review status: criteria provided, single submitter. Criteria: Invitae Variant Classification Sherloc (09022015). Collection method: clinical testing. Allele origin: germline.
Comment: This sequence change replaces proline, which is neutral and non-polar, with histidine, which is basic and polar, at codon 1290 of the KANK1 protein (p.Pro1290His). This variant is present in population databases (rs200278059, gnomAD 0.008%). This variant has not been reported in the literature in individuals affected with KANK1-related conditions. ClinVar contains an entry for this variant (Variation ID: 1440969). An algorithm developed to predict the effect of missense changes on protein structure and function (PolyPhen-2) suggests that this variant is likely to be tolerated. In summary, the available evidence is currently insufficient to determine the role of this variant in disease. Therefore, it has been classified as a Variant of Uncertain Significance.

Fulgent Genetics
Classification: Uncertain significance for Cerebral palsy, spastic quadriplegic, 2. Last evaluated: 2022-03-01. Review status: criteria provided, single submitter. Criteria: ACMG Guidelines, 2015. Collection method: clinical testing. Allele origin: unknown.

NM_015158.5(KANK1):c.3869C>A (p.Pro1290His)

Gene: KANK1 (KN motif and ankyrin repeat domains 1; plus strand). Cytogenetic location: 9p24.3.
Variant type: single nucleotide variant.
Coding change: c.3869C>A on transcript NM_015158.5 (MANE Select); coding-DNA position 3869, C replaced by A.
Protein change: p.Pro1290His; replaces proline 1290 with histidine.
Molecular consequence: missense variant. On other transcripts: non-coding transcript variant (1).
Genome position (GRCh38, 1-based): chr9:742,377, C>A. VCF-style: chr9-742377-C-A. GRCh37 (hg19) VCF-style: chr9-742377-C-A.
Other names: c.3869C>A (NM_015158.2); c.3869C>A, p.Pro1290His (NM_001256876.3, NM_001256877.3, NM_001354334.2); c.3629C>A, p.Pro1210His (NM_001354331.2); c.3815C>A, p.Pro1272His (NM_001354332.2); c.3395C>A, p.Pro1132His (NM_001354333.2, NM_001354335.2, NM_001354337.2 and 2 more transcripts); c.3101C>A, p.Pro1034His (NM_001354336.2); c.3341C>A, p.Pro1114His (NM_001354338.2, NM_001354340.2, NM_001354344.2); c.3155C>A, p.Pro1052His (NM_001354339.2, NM_001354342.2, NM_001354343.2); short protein forms P1034H, P1290H, P1052H, P1114H, P1210H, P1272H, P1132H.
Identifiers: ClinVar variation 1440969 (VCV001440969.10), dbSNP rs200278059, ClinGen allele CA4961204.